The following is an entry in ClinVar:

ClinVar aggregate classification (germline): Likely benign. Review status: criteria provided, multiple submitters, no conflicts (2 of 4 stars). 2 submissions from 2 submitters: Likely benign (2). Last evaluated 2025-10-04.

Conditions:
ALG9 congenital disorder of glycosylation (CDG1L). Also called: ALG9-CDG; CONGENITAL DISORDER OF GLYCOSYLATION, TYPE Il; CDG Il. Identifiers: Orphanet 79328, MedGen C2931006, MONDO:0012117, OMIM 608776.

Allele frequency attached by ClinVar (database versions not stated): ExAC 0.00001; TOPMed 0.00001; gnomAD 0.00002; gnomAD exomes 0.00002; 1000 Genomes Project 0.00020; 1000 Genomes Project 30x 0.00031.
gnomAD v4.1: 26 of 1,590,814 alleles (0.0016%); highest among the groups gnomAD compares: Admixed American, 0.0067%; no homozygotes.

Submissions (2):

Labcorp Genetics (formerly Invitae), Labcorp
Classification: Likely benign for ALG9 congenital disorder of glycosylation. Last evaluated: 2025-10-04. Review status: criteria provided, single submitter. Criteria: Invitae Variant Classification Sherloc (09022015). Collection method: clinical testing. Allele origin: germline.

GeneDx
Classification: Likely benign. Last evaluated: 2017-07-24. Review status: criteria provided, single submitter. Criteria: GeneDx Variant Classification (06012015). Collection method: clinical testing. Allele origin: germline. Affected: yes.
Comment: This variant is considered likely benign or benign based on one or more of the following criteria: it is a conservative change, it occurs at a poorly conserved position in the protein, it is predicted to be benign by multiple in silico algorithms, and/or has population frequency not consistent with disease.

NM_012463.4(ATP6V0A2):c.521+17G>A

Gene: ATP6V0A2 (ATPase H+ transporting V0 subunit a2; plus strand). Cytogenetic location: 12q24.31.
Variant type: single nucleotide variant.
Coding change: c.521+17G>A on transcript NM_012463.4 (MANE Select); 17 bases into the intron after coding-DNA position 521, G replaced by A.
Molecular consequence: intron variant.
Genome position (GRCh38, 1-based): chr12:123,726,302, G>A. VCF-style: chr12-123726302-G-A. GRCh37 (hg19) VCF-style: chr12-124210849-G-A.
Identifiers: ClinVar variation 510888 (VCV000510888.4), dbSNP rs192339944, ClinGen allele CA6861642.